The following is an entry in ClinVar:

NM_003872.3(NRP2):c.1770G>A (p.Leu590=)

Gene: NRP2 (neuropilin 2; plus strand). Cytogenetic location: 2q33.3.
Variant type: single nucleotide variant.
Coding change: c.1770G>A on transcript NM_003872.3 (MANE Select); coding-DNA position 1770, G replaced by A.
Protein change: p.Leu590=; no amino-acid change (leucine 590 retained).
Molecular consequence: synonymous variant.
Genome position (GRCh38, 1-based): chr2:205,745,874, G>A. VCF-style: chr2-205745874-G-A. GRCh37 (hg19) VCF-style: chr2-206610598-G-A.
Other names: c.1770G>A, p.Leu590= (NM_018534.4, NM_201266.2, NM_201267.2 and 1 more transcripts).
Identifiers: ClinVar variation 3358316 (VCV003358316.1).

ClinVar aggregate classification (germline): Likely benign (0 of 4 stars; one submission).

Conditions:
NRP2-related disorder. Also called: NRP2-related condition.

Submission:

PreventionGenetics, part of Exact Sciences
Classification: Likely benign for NRP2-related condition. Last evaluated: 2023-10-02. Review status: no assertion criteria provided. Collection method: clinical testing. Allele origin: germline.
Comment: This variant is classified as likely benign based on ACMG/AMP sequence variant interpretation guidelines (Richards et al. 2015 PMID: 25741868, with internal and published modifications).